The following is an entry in ClinVar:

ClinVar aggregate classification (germline): Uncertain significance (1 of 4 stars; one submission).

Allele frequency attached by ClinVar (database versions not stated): gnomAD 0.00003; gnomAD exomes 0.00006 and 0.00012; ExAC 0.00012; 1000 Genomes Project 30x 0.00016; 1000 Genomes Project 0.00020.
gnomAD v4.1: 92 of 1,613,956 alleles (0.0057%); highest among the groups gnomAD compares: South Asian, 0.1%; no homozygotes.

Submission:

Labcorp Genetics (formerly Invitae), Labcorp
Classification: Uncertain significance. Last evaluated: 2021-04-21. Review status: criteria provided, single submitter. Criteria: Invitae Variant Classification Sherloc (09022015). Collection method: clinical testing. Allele origin: germline.
Comment: This sequence change replaces alanine with threonine at codon 100 of the ESR2 protein (p.Ala100Thr). The alanine residue is moderately conserved and there is a small physicochemical difference between alanine and threonine. This variant is present in population databases (rs568366119, ExAC 0.09%). In summary, the available evidence is currently insufficient to determine the role of this variant in disease. Therefore, it has been classified as a Variant of Uncertain Significance. Algorithms developed to predict the effect of missense changes on protein structure and function output the following: SIFT: "Deleterious"; PolyPhen-2: "Benign"; Align-GVGD: "Class C0". The threonine amino acid residue is found in multiple mammalian species, suggesting that this missense change does not adversely affect protein function. These predictions have not been confirmed by published functional studies and their clinical significance is uncertain. This variant has not been reported in the literature in individuals with ESR2-related conditions.

NM_001437.3(ESR2):c.298G>A (p.Ala100Thr)

Gene: ESR2 (estrogen receptor 2; minus strand). Cytogenetic location: 14q23.2.
Variant type: single nucleotide variant.
Coding change: c.298G>A on transcript NM_001437.3 (MANE Select); coding-DNA position 298, G replaced by A.
Protein change: p.Ala100Thr; replaces alanine 100 with threonine.
Molecular consequence: missense variant. On other transcripts: non-coding transcript variant (2).
Genome position (GRCh38, 1-based): chr14:64,282,688, C>T on the plus strand (G>A on the coding strand, the complement: ESR2 is on the minus strand). VCF-style: chr14-64282688-C-T. GRCh37 (hg19) VCF-style: chr14-64749406-C-T.
Other names: c.298G>A, p.Ala100Thr (NM_001040275.1, NM_001214902.1, NM_001271876.1 and 3 more transcripts); short protein forms A100T.
Identifiers: ClinVar variation 1400872 (VCV001400872.8), dbSNP rs568366119, ClinGen allele CA7225641.